The following is an entry in ClinVar:

ClinVar aggregate classification (germline): Uncertain significance (1 of 4 stars; one submission).

Allele frequency attached by ClinVar (database versions not stated): TOPMed below 0.00001.

Submission:

Athena Diagnostics
Classification: Uncertain significance. Last evaluated: 2023-05-04. Review status: criteria provided, single submitter. Criteria: Athena Diagnostics Criteria. Collection method: clinical testing. Allele origin: unknown.
Comment: Available data are insufficient to determine the clinical significance of the variant at this time. This variant is expected to result in the loss of a functional protein. However, the clinical relevance of variants in this gene has not been established. This variant has not been reported in large, multi-ethnic general populations.

NM_000726.5(CACNB4):c.391-1G>A

Gene: CACNB4 (calcium voltage-gated channel auxiliary subunit beta 4; minus strand). Cytogenetic location: 2q23.3.
Variant type: single nucleotide variant.
Coding change: c.391-1G>A on transcript NM_000726.5 (MANE Select); the canonical splice acceptor site of the intron before coding-DNA position 391, G replaced by A.
Molecular consequence: splice acceptor variant.
Genome position (GRCh38, 1-based): chr2:151,876,557, C>T on the plus strand (G>A on the coding strand, the complement: CACNB4 is on the minus strand). VCF-style: chr2-151876557-C-T. GRCh37 (hg19) VCF-style: chr2-152733071-C-T.
Other names: c.391-1G>A (NM_001145798.2); c.337-1G>A (NM_001330113.2, NM_001005746.4); c.289-1G>A (NM_001330115.2, NM_001005747.4); c.250-1G>A (NM_001330116.2, NM_001320722.3, NM_001330118.1); c.-244-1G>A (NM_001330114.2); c.-168-1G>A (NM_001330117.2).
Identifiers: ClinVar variation 2684121 (VCV002684121.1), dbSNP rs2099846297, ClinGen allele CA348802475.